The following is an entry in ClinVar:

ClinVar aggregate classification (germline): Uncertain significance (1 of 4 stars; one submission).

Submission:

GeneDx
Classification: Uncertain significance. Last evaluated: 2023-04-12. Review status: criteria provided, single submitter. Criteria: GeneDx Variant Classification Process June 2021. Collection method: clinical testing. Allele origin: germline. Affected: yes.
Comment: Not observed at significant frequency in large population cohorts (gnomAD); In silico analysis supports that this missense variant has a deleterious effect on protein structure/function; Has not been previously published as pathogenic or benign to our knowledge

NM_016284.5(CNOT1):c.1978G>A (p.Gly660Arg)

Gene: CNOT1 (CCR4-NOT transcription complex subunit 1; minus strand). Cytogenetic location: 16q21.
Variant type: single nucleotide variant.
Coding change: c.1978G>A on transcript NM_016284.5 (MANE Select); coding-DNA position 1978, G replaced by A.
Protein change: p.Gly660Arg; replaces glycine 660 with arginine.
Molecular consequence: missense variant. On other transcripts: non-coding transcript variant (1).
Genome position (GRCh38, 1-based): chr16:58,574,610, C>T on the plus strand (G>A on the coding strand, the complement: CNOT1 is on the minus strand). VCF-style: chr16-58574610-C-T. GRCh37 (hg19) VCF-style: chr16-58608514-C-T.
Other names: c.1978G>A, p.Gly660Arg (NM_001265612.2, NM_206999.3); short protein forms G660R.
Identifiers: ClinVar variation 3343093 (VCV003343093.1).
Genomic context (GRCh38, chr16:58,574,610, plus strand): 5'-CTACAATTATTCATATAATCCAATTCAAAAAAAGTCATATTCATGTATGTACTTCTTACC[C>T]TGCACAAGCTTGCAGACAGGCCAACATTGTCGCCAAAGTTTCTGGAGGAAGTTGAGCACT-3'
Protein context (NP_057368.3, residues 650-670): TMLACLQACA[Gly660Arg]SVSQELSETI